The following is an entry in ClinVar:

ClinVar aggregate classification (germline): Uncertain significance (1 of 4 stars; one submission).

Conditions:
Capillary malformation-arteriovenous malformation syndrome. Also called: Capillary malformation-arteriovenous malformation. Identifiers: Orphanet 137667, MedGen C1842180, MONDO:0012016.

Allele frequency attached by ClinVar (database versions not stated): TOPMed below 0.00001; gnomAD 0.00001.
gnomAD v4.1: 3 of 1,610,884 alleles (0.00019%); highest among the groups gnomAD compares: Non-Finnish European, 0.00025%; no homozygotes.

Submission:

Labcorp Genetics (formerly Invitae), Labcorp
Classification: Uncertain significance for Capillary malformation-arteriovenous malformation syndrome. Last evaluated: 2025-06-15. Review status: criteria provided, single submitter. Criteria: Invitae Variant Classification Sherloc (09022015). Collection method: clinical testing. Allele origin: germline.
Comment: This sequence change replaces proline, which is neutral and non-polar, with alanine, which is neutral and non-polar, at codon 48 of the RASA1 protein (p.Pro48Ala). This variant is not present in population databases (gnomAD no frequency). This variant has not been reported in the literature in individuals affected with RASA1-related conditions. ClinVar contains an entry for this variant (Variation ID: 3012003). An algorithm developed to predict the effect of missense changes on protein structure and function outputs the following: PolyPhen-2: "Possibly Damaging". The alanine amino acid residue is found in multiple mammalian species, which suggests that this missense change does not adversely affect protein function. In summary, the available evidence is currently insufficient to determine the role of this variant in disease. Therefore, it has been classified as a Variant of Uncertain Significance.

NM_002890.3(RASA1):c.142C>G (p.Pro48Ala)

Gene: RASA1 (RAS p21 protein activator 1; plus strand). Cytogenetic location: 5q14.3.
Variant type: single nucleotide variant.
Coding change: c.142C>G on transcript NM_002890.3 (MANE Select); coding-DNA position 142, C replaced by G.
Protein change: p.Pro48Ala; replaces proline 48 with alanine.
Molecular consequence: missense variant.
Genome position (GRCh38, 1-based): chr5:87,268,593, C>G. VCF-style: chr5-87268593-C-G. GRCh37 (hg19) VCF-style: chr5-86564410-C-G.
Other names: short protein forms P48A.
Identifiers: ClinVar variation 3012003 (VCV003012003.3), dbSNP rs751164456, ClinGen allele CA360416852.